The following is an entry in ClinVar:

NM_015681.6(B9D1):c.415G>T (p.Gly139Trp)

Gene: B9D1 (B9 domain containing 1; minus strand). Cytogenetic location: 17p11.2.
Variant type: single nucleotide variant.
Coding change: c.415G>T on transcript NM_015681.6 (MANE Select); coding-DNA position 415, G replaced by T.
Protein change: p.Gly139Trp; replaces glycine 139 with tryptophan.
Molecular consequence: missense variant. On other transcripts: intron variant (1).
Genome position (GRCh38, 1-based): chr17:19,343,847, C>A on the plus strand (G>T on the coding strand, the complement: B9D1 is on the minus strand). VCF-style: chr17-19343847-C-A. GRCh37 (hg19) VCF-style: chr17-19247160-C-A.
Other names: c.415G>T, p.Gly139Trp (NM_001321214.2, NM_001321215.3, NM_001321217.2 and 2 more transcripts); c.55G>T, p.Gly19Trp (NM_001368769.2); c.404+3422G>T (NM_001321219.2); short protein forms G139W, G19W.
Identifiers: ClinVar variation 1927288 (VCV001927288.4), dbSNP rs1366554009, ClinGen allele CA398695009.

ClinVar aggregate classification (germline): Uncertain significance (1 of 4 stars; one submission).

Conditions:
Joubert syndrome. Also called: CEREBELLOPARENCHYMAL DISORDER IV; JOUBERT-BOLTSHAUSER SYNDROME; Familial aplasia of the vermis. Identifiers: Orphanet 475, MedGen C5979921, MONDO:0018772.
Meckel-Gruber syndrome. Also called: DYSENCEPHALIA SPLANCHNOCYSTICA; GRUBER SYNDROME; Dysencephalia splachnocystica. Identifiers: Orphanet 564, MedGen C0265215, MONDO:0018921.

Submission:

Labcorp Genetics (formerly Invitae), Labcorp
Classification: Uncertain significance for Joubert syndrome; Meckel-Gruber syndrome. Last evaluated: 2024-11-11. Review status: criteria provided, single submitter. Criteria: Invitae Variant Classification Sherloc (09022015). Collection method: clinical testing. Allele origin: germline.
Comment: This sequence change replaces glycine, which is neutral and non-polar, with tryptophan, which is neutral and slightly polar, at codon 139 of the B9D1 protein (p.Gly139Trp). This variant is not present in population databases (gnomAD no frequency). This variant has not been reported in the literature in individuals affected with B9D1-related conditions. ClinVar contains an entry for this variant (Variation ID: 1927288). An algorithm developed to predict the effect of missense changes on protein structure and function (PolyPhen-2) suggests that this variant is likely to be disruptive. In summary, the available evidence is currently insufficient to determine the role of this variant in disease. Therefore, it has been classified as a Variant of Uncertain Significance.